The following is an entry in ClinVar:

ClinVar aggregate classification (germline): Uncertain significance (1 of 4 stars; one submission).

Conditions:
Aortic valve disease 2 (AOVD2). Identifiers: MedGen C3542024, MONDO:0013902, OMIM 614823.

Submission:

Labcorp Genetics (formerly Invitae), Labcorp
Classification: Uncertain significance for Aortic valve disease 2. Last evaluated: 2024-04-09. Review status: criteria provided, single submitter. Criteria: Invitae Variant Classification Sherloc (09022015). Collection method: clinical testing. Allele origin: germline.
Comment: This variant, c.1200_1391del, results in the deletion of 64 amino acid(s) of the SMAD6 protein (p.Trp401_Val464del), but otherwise preserves the integrity of the reading frame. This variant is not present in population databases (gnomAD no frequency). This variant has not been reported in the literature in individuals affected with SMAD6-related conditions. Experimental studies and prediction algorithms are not available or were not evaluated, and the functional significance of this variant is currently unknown. In summary, the available evidence is currently insufficient to determine the role of this variant in disease. Therefore, it has been classified as a Variant of Uncertain Significance.

NM_005585.5(SMAD6):c.1200_1391del (p.Trp401_Val464del)

Gene: SMAD6 (SMAD family member 6; plus strand). Cytogenetic location: 15q22.31.
Variant type: Deletion.
Coding change: c.1200_1391del on transcript NM_005585.5 (MANE Select); coding-DNA positions 1200 to 1391, 192 bases deleted.
Protein change: p.Trp401_Val464del.
Molecular consequence: inframe deletion. On other transcripts: non-coding transcript variant (1).
Genome position (GRCh38, 1-based): chr15:66,781,244-66,781,435, 192 bases deleted. GRCh37 (hg19): chr15:67,073,582-67,073,773.
Identifiers: ClinVar variation 2707655 (VCV002707655.3), dbSNP rs2541898062, ClinGen allele CA2697549149.